The following is an entry in ClinVar:

ClinVar aggregate classification (germline): Pathogenic. Review status: criteria provided, multiple submitters, no conflicts (2 of 4 stars). 2 submissions from 2 submitters: Pathogenic (2). Last evaluated 2026-05-22.

Conditions:
Hereditary cancer-predisposing syndrome. Also called: Neoplastic Syndromes, Hereditary; Tumor predisposition; Hereditary Cancer Syndrome; Hereditary neoplastic syndrome. Identifiers: Orphanet 140162, MedGen C0027672, MeSH D009386, MONDO:0015356.
Familial adenomatous polyposis 1 (FAP1). Also called: FAMILIAL ADENOMATOUS POLYPOSIS 1, ATTENUATED; POLYPOSIS, ADENOMATOUS INTESTINAL. Identifiers: MedGen C2713442, MONDO:0021056, OMIM 175100. Disease mechanism: loss of function.

Submissions (2):

Ambry Genetics
Classification: Pathogenic for Hereditary cancer-predisposing syndrome. Last evaluated: 2026-05-22. Review status: criteria provided, single submitter. Criteria: Ambry Variant Classification Scheme 2023. Collection method: clinical testing. Allele origin: germline.
Comment: The c.1081_1087dupCATGGCA pathogenic mutation, located in coding exon 9 of the APC gene, results from a duplication of CATGGCA at nucleotide position 1081, causing a translational frameshift with a predicted alternate stop codon (p.N363Tfs*4). This variant is considered to be rare based on population cohorts in the Genome Aggregation Database (gnomAD). This alteration is expected to result in loss of function by premature protein truncation or nonsense-mediated mRNA decay. As such, this alteration is interpreted as a disease-causing mutation.

Myriad Genetics, Inc.
Classification: Pathogenic for Familial adenomatous polyposis 1. Last evaluated: 2023-04-28. Review status: criteria provided, single submitter. Criteria: Myriad Autosomal Dominant, Autosomal Recessive and X-Linked Classification Criteria (2023). Collection method: clinical testing. Allele origin: unknown.
Comment: This variant is considered pathogenic. This variant creates a frameshift predicted to result in premature protein truncation.

NM_000038.6(APC):c.1081_1087dup (p.Asn363fs)

Gene: APC (APC regulator of Wnt signaling pathway; plus strand). Cytogenetic location: 5q22.2.
Variant type: Duplication.
Coding change: c.1081_1087dup on transcript NM_000038.6 (MANE Select); coding-DNA positions 1081 to 1087, 7 bases duplicated (CATGGCA; older notation c.1081_1087dupCATGGCA).
Protein change: p.Asn363fs; shifts the reading frame from asparagine 363.
Molecular consequence: frameshift variant. On other transcripts: non-coding transcript variant (2), intron variant (15).
Genome position (GRCh38, 1-based): chr5:112,819,113-112,819,119, CATGGCA duplicated; duplicating any 7 consecutive bases within chr5:112,819,112-112,819,119 gives the same sequence; the c. name uses the placement nearest the transcript's 3' end. VCF-style (leftmost placement, unchanged base first): chr5-112819111-T-TACATGGC. GRCh37 (hg19) VCF-style: chr5-112154808-T-TACATGGC.
Other names: c.1081_1087dupCATGGCA (NM_000038.5); c.1081_1087dup, p.Asn363fs (NM_001127510.3, NM_001354895.2, NM_001354896.2 and 4 more transcripts); c.1027_1033dup, p.Asn345fs (NM_001127511.3); c.1111_1117dup, p.Asn373fs (NM_001354897.2, NM_001407446.1); c.1006_1012dup, p.Asn338fs (NM_001354898.2, NM_001407451.1); c.997_1003dup, p.Asn335fs (NM_001354899.2, NM_001407452.1); c.904_910dup, p.Asn304fs (NM_001354900.2, NM_001354901.2, NM_001407453.1); c.232_238dup, p.Asn80fs (NM_001354906.2, NM_001407470.1); and 6 more; short protein forms N304fs, N335fs, N338fs, N345fs, N363fs, N373fs, N80fs.
Identifiers: ClinVar variation 2583399 (VCV002583399.2), dbSNP rs2533044092, ClinGen allele CA2582341355.